The following is an entry in ClinVar:

ClinVar aggregate classification (germline): Likely pathogenic (1 of 4 stars; one submission).

Conditions:
Pontocerebellar hypoplasia type 1A (PCH1A). Also called: PONTOCEREBELLAR HYPOPLASIA WITH ANTERIOR HORN CELL DISEASE; PONTOCEREBELLAR HYPOPLASIA WITH INFANTILE SPINAL MUSCULAR ATROPHY. Identifiers: Orphanet 2254, Orphanet 88616, MedGen C1843504, MONDO:0011866, OMIM 607596.

Submission:

Natera, Inc.
Classification: Likely pathogenic for Pontocerebellar hypoplasia, type 1a. Last evaluated: 2025-12-01. Review status: criteria provided, single submitter. Criteria: Natera Variant Classification Schema (03/2026). Collection method: clinical testing. Allele origin: germline.
Comment: The c.434del variant in VRK1 is a frameshift variant predicted to shift the reading frame beginning at codon 145 and leads to a stop codon 13 codons downstream. This variant is expected to result in nonsense mediated decay, truncation, or a dysfunctional protein product. This variant is rare in the general population with a frequency below the threshold expected for the associated phenotype(s). Given the available evidence, this variant is classified as Likely Pathogenic.

NM_003384.3(VRK1):c.434del (p.Asn145fs)

Gene: VRK1 (VRK serine/threonine kinase 1; plus strand). Cytogenetic location: 14q32.2.
Variant type: Deletion.
Coding change: c.434del on transcript NM_003384.3 (MANE Select); coding-DNA position 434, one base deleted (A; older notation c.434delA).
Protein change: p.Asn145fs; shifts the reading frame from asparagine 145.
Molecular consequence: frameshift variant.
Genome position (GRCh38, 1-based): chr14:96,852,890, A deleted; the last of 3 consecutive A bases (chr14:96,852,888-96,852,890); deleting any one gives the same sequence. VCF-style (leftmost placement, unchanged base first): chr14-96852887-CA-C. GRCh37 (hg19) VCF-style: chr14-97319224-CA-C.
Other names: c.434del, p.Asn145fs (NM_001411051.1, NM_001411053.1); short protein forms N145fs.
Identifiers: ClinVar variation 4815118 (VCV004815118.1).
Genomic context (GRCh38, chr14:96,852,887, plus strand): 5'-TCAGTTACAGGTTTATGATAATGGATCGCTTTGGGAGTGACCTTCAGAAAATATATGAAG[CA>C]AATGCCAAAAGGTTTTCTCGGAAAACTGTCTTGCAGCTAAGCTTAAGAATTGTATGTGAG-3'